The following is an entry in ClinVar:

ClinVar aggregate classification (germline): Likely benign (1 of 4 stars; one submission).

Conditions:
Melanoma-pancreatic cancer syndrome. Identifiers: Orphanet 404560, MedGen C1838547, MONDO:0011713, OMIM 606719. Disease mechanism: loss of function.

Submission:

Myriad Genetics, Inc.
Classification: Likely benign for Melanoma-pancreatic cancer syndrome. Last evaluated: 2025-08-12. Review status: criteria provided, single submitter. Criteria: Myriad Autosomal Dominant, Autosomal Recessive and X-Linked Classification Criteria (2023). Collection method: clinical testing. Allele origin: unknown.
Comment: This variant is considered likely benign. This variant is intronic and is not expected to impact mRNA splicing.

NM_058195.4(CDKN2A):c.193+7A>C

Gene: CDKN2A (cyclin dependent kinase inhibitor 2A; minus strand). Cytogenetic location: 9p21.3.
Variant type: single nucleotide variant.
Coding change: c.193+7A>C on transcript NM_058195.4 (MANE Plus Clinical); 7 bases into the intron after coding-DNA position 193, A replaced by C.
Molecular consequence: intron variant.
Genome position (GRCh38, 1-based): chr9:21,994,132, T>G on the plus strand (A>C on the coding strand, the complement: CDKN2A is on the minus strand). VCF-style: chr9-21994132-T-G. GRCh37 (hg19) VCF-style: chr9-21994131-T-G.
Other names: c.-4+689A>C (NM_001363763.2).
Identifiers: ClinVar variation 4294175 (VCV004294175.1).
Genomic context (GRCh38, chr9:21,994,132, plus strand): 5'-TTTACGAAATCACACCAAACAAAACAAGTGCCGAATGCGCCCCGGACTTTTCGAGGGCCT[T>G]TCCTACCTGGTCTTCTAGGAAGCGGCTGCTGCCCTAGACGCTGGCTCCTCAGTAGCATCA-3'